The following is an entry in ClinVar:

ClinVar aggregate classification (germline): Uncertain significance (1 of 4 stars; one submission).

Conditions:
RASopathy. Also called: Noonan spectrum disorder; rasopathies. Identifiers: Orphanet 536391, MedGen C5555857, MONDO:0021060.

gnomAD v4.1: 5 of 1,611,016 alleles (0.00031%); highest among the groups gnomAD compares: Non-Finnish European, 0.00042%; no homozygotes.

Submission:

Labcorp Genetics (formerly Invitae), Labcorp
Classification: Uncertain significance for RASopathy. Last evaluated: 2023-05-13. Review status: criteria provided, single submitter. Criteria: Invitae Variant Classification Sherloc (09022015). Collection method: clinical testing. Allele origin: germline.
Comment: In summary, the available evidence is currently insufficient to determine the role of this variant in disease. Therefore, it has been classified as a Variant of Uncertain Significance. Advanced modeling of protein sequence and biophysical properties (such as structural, functional, and spatial information, amino acid conservation, physicochemical variation, residue mobility, and thermodynamic stability) has been performed at Invitae for this missense variant, however the output from this modeling did not meet the statistical confidence thresholds required to predict the impact of this variant on SOS1 protein function. This variant has not been reported in the literature in individuals affected with SOS1-related conditions. This variant is not present in population databases (gnomAD no frequency). This sequence change replaces glutamine, which is neutral and polar, with arginine, which is basic and polar, at codon 367 of the SOS1 protein (p.Gln367Arg).

NM_005633.4(SOS1):c.1100A>G (p.Gln367Arg)

Gene: SOS1 (SOS Ras/Rac guanine nucleotide exchange factor 1; minus strand). Cytogenetic location: 2p22.1.
Variant type: single nucleotide variant.
Coding change: c.1100A>G on transcript NM_005633.4 (MANE Select); coding-DNA position 1100, A replaced by G.
Protein change: p.Gln367Arg; replaces glutamine 367 with arginine.
Molecular consequence: missense variant.
Genome position (GRCh38, 1-based): chr2:39,024,112, T>C on the plus strand (A>G on the coding strand, the complement: SOS1 is on the minus strand). VCF-style: chr2-39024112-T-C. GRCh37 (hg19) VCF-style: chr2-39251253-T-C.
Other names: c.1079A>G, p.Gln360Arg (NM_001382394.1); c.1100A>G, p.Gln367Arg (NM_001382395.1); short protein forms Q360R, Q367R.
Identifiers: ClinVar variation 3015661 (VCV003015661.3), dbSNP rs2124539658, ClinGen allele CA346366976.